The following is an entry in ClinVar:

NM_020693.4(DSCAML1):c.706G>A (p.Glu236Lys)

Gene: DSCAML1 (DS cell adhesion molecule like 1; minus strand). Cytogenetic location: 11q23.3.
Variant type: single nucleotide variant.
Coding change: c.706G>A on transcript NM_020693.4 (MANE Select); coding-DNA position 706, G replaced by A.
Protein change: p.Glu236Lys; replaces glutamic acid 236 with lysine.
Molecular consequence: missense variant.
Genome position (GRCh38, 1-based): chr11:117,525,036, C>T on the plus strand (G>A on the coding strand, the complement: DSCAML1 is on the minus strand). VCF-style: chr11-117525036-C-T. GRCh37 (hg19) VCF-style: chr11-117395751-C-T.
Other names: c.706G>A, p.Glu236Lys (NM_001367904.1); c.298G>A, p.Glu100Lys (NM_001367905.1); short protein forms E100K, E236K.
Identifiers: ClinVar variation 4808371 (VCV004808371.1).

ClinVar aggregate classification (germline): Uncertain significance (1 of 4 stars; one submission).

Submission:

Labcorp Genetics (formerly Invitae), Labcorp
Classification: Uncertain significance. Last evaluated: 2025-10-29. Review status: criteria provided, single submitter. Criteria: Invitae Variant Classification Sherloc (09022015). Collection method: clinical testing. Allele origin: germline.
Comment: This sequence change replaces glutamic acid, which is acidic and polar, with lysine, which is basic and polar, at codon 296 of the DSCAML1 protein (p.Glu296Lys). This variant is not present in population databases (gnomAD no frequency). This variant has not been reported in the literature in individuals affected with DSCAML1-related conditions. An algorithm developed to predict the effect of missense changes on protein structure and function (PolyPhen-2) suggests that this variant is likely to be tolerated. In summary, the available evidence is currently insufficient to determine the role of this variant in disease. Therefore, it has been classified as a Variant of Uncertain Significance.